The following is an entry in ClinVar:

NM_001035.3(RYR2):c.8228A>C (p.Tyr2743Ser)

Gene: RYR2 (ryanodine receptor 2; plus strand). Cytogenetic location: 1q43.
Variant type: single nucleotide variant.
Coding change: c.8228A>C on transcript NM_001035.3 (MANE Select); coding-DNA position 8228, A replaced by C.
Protein change: p.Tyr2743Ser; replaces tyrosine 2743 with serine.
Molecular consequence: missense variant.
Genome position (GRCh38, 1-based): chr1:237,660,004, A>C. VCF-style: chr1-237660004-A-C. GRCh37 (hg19) VCF-style: chr1-237823304-A-C.
Other names: short protein forms Y2743S.
Identifiers: ClinVar variation 2102855 (VCV002102855.4), dbSNP rs368952500, ClinGen allele CA345401348.
Genomic context (GRCh38, chr1:237,660,004, plus strand): 5'-AACACGTGTAAAACAATTTTTAATGTTTGCCTTTTTTTAAGTTGGCAAATGGATGGATTT[A>C]TGGAGAAATATATTCAGACTCTTCTAAGGTTCAGCCATTAATGAAGCCATATAAGCTATT-3'
Protein context (NP_001026.2, residues 2733-2753): SMDKLANGWI[Tyr2743Ser]GEIYSDSSKV

ClinVar aggregate classification (germline): Uncertain significance (1 of 4 stars; one submission).

Conditions:
Catecholaminergic polymorphic ventricular tachycardia 1. Also called: VENTRICULAR TACHYCARDIA, STRESS-INDUCED POLYMORPHIC 1; RYR2-Related Catecholaminergic Polymorphic Ventricular Tachycardia; VENTRICULAR TACHYCARDIA, CATECHOLAMINERGIC POLYMORPHIC, 1, WITH OR WITHOUT ATRIAL DYSFUNCTION AND/OR DILATED CARDIOMYOPATHY. Identifiers: Orphanet 3286, MedGen C1631597, MONDO:0011484, OMIM 604772.

Submission:

Labcorp Genetics (formerly Invitae), Labcorp
Classification: Uncertain significance for Catecholaminergic polymorphic ventricular tachycardia 1. Last evaluated: 2022-12-16. Review status: criteria provided, single submitter. Criteria: Invitae Variant Classification Sherloc (09022015). Collection method: clinical testing. Allele origin: germline.
Comment: This variant has not been reported in the literature in individuals affected with RYR2-related conditions. This variant is not present in population databases (gnomAD no frequency). This sequence change replaces tyrosine, which is neutral and polar, with serine, which is neutral and polar, at codon 2743 of the RYR2 protein (p.Tyr2743Ser). Advanced modeling of protein sequence and biophysical properties (such as structural, functional, and spatial information, amino acid conservation, physicochemical variation, residue mobility, and thermodynamic stability) performed at Invitae indicates that this missense variant is expected to disrupt RYR2 protein function. In summary, the available evidence is currently insufficient to determine the role of this variant in disease. Therefore, it has been classified as a Variant of Uncertain Significance.